The following is an entry in ClinVar:

NM_016107.5(ZFR):c.1673A>C (p.Gln558Pro)

Gene: ZFR (zinc finger RNA binding protein; minus strand). Cytogenetic location: 5p13.3.
Variant type: single nucleotide variant.
Coding change: c.1673A>C on transcript NM_016107.5 (MANE Select); coding-DNA position 1673, A replaced by C.
Protein change: p.Gln558Pro; replaces glutamine 558 with proline.
Molecular consequence: missense variant. On other transcripts: non-coding transcript variant (1).
Genome position (GRCh38, 1-based): chr5:32,400,047, T>G on the plus strand (A>C on the coding strand, the complement: ZFR is on the minus strand). VCF-style: chr5-32400047-T-G. GRCh37 (hg19) VCF-style: chr5-32400152-T-G.
Other names: short protein forms Q558P.
Identifiers: ClinVar variation 2870248 (VCV002870248.3), dbSNP rs1489041793, ClinGen allele CA359357860.

ClinVar aggregate classification (germline): Uncertain significance (1 of 4 stars; one submission).

Conditions:
Pure or complex autosomal recessive spastic paraplegia. Identifiers: Orphanet 320346, MedGen C5679887, MONDO:0017915.

Submission:

Labcorp Genetics (formerly Invitae), Labcorp
Classification: Uncertain significance for Pure or complex autosomal recessive spastic paraplegia. Last evaluated: 2025-08-21. Review status: criteria provided, single submitter. Criteria: Invitae Variant Classification Sherloc (09022015). Collection method: clinical testing. Allele origin: germline.
Comment: This sequence change replaces glutamine, which is neutral and polar, with proline, which is neutral and non-polar, at codon 558 of the ZFR protein (p.Gln558Pro). This variant is not present in population databases (gnomAD no frequency). This variant has not been reported in the literature in individuals affected with ZFR-related conditions. ClinVar contains an entry for this variant (Variation ID: 2870248). Experimental studies and prediction algorithms are not available or were not evaluated, and the functional significance of this variant is currently unknown. In summary, the available evidence is currently insufficient to determine the role of this variant in disease. Therefore, it has been classified as a Variant of Uncertain Significance.